The following is an entry in ClinVar:

NM_001458.5(FLNC):c.3761A>C (p.Lys1254Thr)

Gene: FLNC (filamin C; plus strand). Cytogenetic location: 7q32.1.
Variant type: single nucleotide variant.
Coding change: c.3761A>C on transcript NM_001458.5 (MANE Select); coding-DNA position 3761, A replaced by C.
Protein change: p.Lys1254Thr; replaces lysine 1254 with threonine.
Molecular consequence: missense variant.
Genome position (GRCh38, 1-based): chr7:128,845,226, A>C. VCF-style: chr7-128845226-A-C. GRCh37 (hg19) VCF-style: chr7-128485280-A-C.
Other names: c.3761A>C, p.Lys1254Thr (NM_001127487.2); short protein forms K1254T.
Identifiers: ClinVar variation 2950822 (VCV002950822.4), dbSNP rs1214980108, ClinGen allele CA369197952.

ClinVar aggregate classification (germline): Uncertain significance. Review status: criteria provided, multiple submitters, no conflicts (2 of 4 stars). 2 submissions from 2 submitters: Uncertain significance (2). Last evaluated 2024-06-16.

Conditions:
Myofibrillar myopathy 5. Also called: Filaminopathy (type); FILAMINOPATHY, AUTOSOMAL DOMINANT. Identifiers: Orphanet 171445, MedGen C1836050, MONDO:0012289, OMIM 609524.
Distal myopathy with posterior leg and anterior hand involvement. Also called: WILLIAMS DISTAL MYOPATHY. Identifiers: Orphanet 63273, MedGen C3279722, MONDO:0013550, OMIM 614065.
Hypertrophic cardiomyopathy 26. Also called: Cardiomyopathy, familial hypertrophic, 26. Identifiers: Orphanet 75249, MedGen C4310749, MONDO:0014883, OMIM 617047.

gnomAD v4.1: 1 of 1,613,798 alleles (0.000062%); no homozygotes.

Submissions (2):

GeneDx
Classification: Uncertain significance. Last evaluated: 2024-06-16. Review status: criteria provided, single submitter. Criteria: GeneDx Variant Classification Process June 2021. Collection method: clinical testing. Allele origin: germline. Affected: yes.
Comment: Not observed at significant frequency in large population cohorts (gnomAD); In silico analysis supports that this missense variant has a deleterious effect on protein structure/function; Has not been previously published as pathogenic or benign to our knowledge

Labcorp Genetics (formerly Invitae), Labcorp
Classification: Uncertain significance for Distal myopathy with posterior leg and anterior hand involvement; Myofibrillar myopathy 5; Hypertrophic cardiomyopathy 26. Last evaluated: 2023-12-05. Review status: criteria provided, single submitter. Criteria: Invitae Variant Classification Sherloc (09022015). Collection method: clinical testing. Allele origin: germline.
Comment: This sequence change replaces lysine, which is basic and polar, with threonine, which is neutral and polar, at codon 1254 of the FLNC protein (p.Lys1254Thr). This variant is present in population databases (no rsID available, gnomAD 0.003%). This variant has not been reported in the literature in individuals affected with FLNC-related conditions. Advanced modeling of protein sequence and biophysical properties (such as structural, functional, and spatial information, amino acid conservation, physicochemical variation, residue mobility, and thermodynamic stability) has been performed at Invitae for this missense variant, however the output from this modeling did not meet the statistical confidence thresholds required to predict the impact of this variant on FLNC protein function. In summary, the available evidence is currently insufficient to determine the role of this variant in disease. Therefore, it has been classified as a Variant of Uncertain Significance.